The following is an entry in ClinVar:

NM_001931.5(DLAT):c.1382G>A (p.Arg461Gln)

Gene: DLAT (dihydrolipoamide S-acetyltransferase; plus strand). Cytogenetic location: 11q23.1.
Variant type: single nucleotide variant.
Coding change: c.1382G>A on transcript NM_001931.5 (MANE Select); coding-DNA position 1382, G replaced by A.
Protein change: p.Arg461Gln; replaces arginine 461 with glutamine.
Molecular consequence: missense variant. On other transcripts: non-coding transcript variant (1), intron variant (2).
Genome position (GRCh38, 1-based): chr11:112,045,954, G>A. VCF-style: chr11-112045954-G-A. GRCh37 (hg19) VCF-style: chr11-111916678-G-A.
Other names: c.1382G>A, p.Arg461Gln (NM_001372031.1, NM_001372033.1); c.1376G>A, p.Arg459Gln (NM_001372032.1); c.1349G>A, p.Arg450Gln (NM_001372034.1); c.1256G>A, p.Arg419Gln (NM_001372036.1); c.1214G>A, p.Arg405Gln (NM_001372037.1); c.1103G>A, p.Arg368Gln (NM_001372038.1); c.1067G>A, p.Arg356Gln (NM_001372039.1); c.1001G>A, p.Arg334Gln (NM_001372040.1); and 3 more; short protein forms R307Q, R334Q, R356Q, R368Q, R405Q, R419Q, R450Q, R459Q.
Identifiers: ClinVar variation 1312384 (VCV001312384.4), dbSNP rs782807951, ClinGen allele CA6276904.

ClinVar aggregate classification (germline): Conflicting classifications of pathogenicity. Review status: criteria provided, conflicting classifications (1 of 4 stars). 2 submissions from 2 submitters: Uncertain significance (1); Likely benign (1). Last evaluated 2025-08-23.

Conditions:
Pyruvate dehydrogenase E2 deficiency (PDHDD). Also called: Dihydrolipoamide Acetyltransferase (E2) Deficiency; LACTIC ACIDEMIA DUE TO DEFECT OF E2 LIPOYL TRANSACETYLASE OF THE PYRUVATE DEHYDROGENASE COMPLEX. Identifiers: Orphanet 765, Orphanet 79244, MedGen C1855565, MONDO:0009502, OMIM 245348.

Allele frequency attached by ClinVar (database versions not stated): TOPMed below 0.00001; gnomAD 0.00003; gnomAD exomes 0.00004 and 0.00005; ExAC 0.00010.
gnomAD v4.1: 58 of 1,596,908 alleles (0.0036%); highest among the groups gnomAD compares: South Asian, 0.021%; no homozygotes.

Submissions (2):

Centre for Medical Genetics,  Mumbai
Classification: Likely benign for Pyruvate dehydrogenase E2 deficiency. Last evaluated: 2025-08-23. Review status: criteria provided, single submitter. Criteria: ACMG Guidelines, 2015. Collection method: clinical testing. Allele origin: germline. Affected: no. Observed: 1 variant allele, 1 homozygote.

GeneDx
Classification: Uncertain significance. Last evaluated: 2025-05-28. Review status: criteria provided, single submitter. Criteria: GeneDx Variant Classification Process June 2021. Collection method: clinical testing. Allele origin: germline. Affected: yes.
Comment: In silico analysis supports that this missense variant has a deleterious effect on protein structure/function; Has not been previously published as pathogenic or benign to our knowledge